The following is an entry in ClinVar:

ClinVar aggregate classification (germline): Pathogenic. Review status: criteria provided, multiple submitters, no conflicts (2 of 4 stars). 8 submissions from 8 submitters: Pathogenic (6). 2 of the submissions do not count toward it. Last evaluated 2026-01-17.

Conditions:
AR-related disorders.
Kennedy disease (SMAX1). Also called: KENNEDY SPINAL AND BULBAR MUSCULAR ATROPHY; Spinal and Bulbar Muscular Atrophy; SPINAL AND BULBAR MUSCULAR ATROPHY, X-LINKED 1. Identifiers: Orphanet 481, MedGen C1839259, MONDO:0010735, OMIM 313200.
Androgen resistance syndrome (AIS). Also called: Androgen insensitivity syndrome; DIHYDROTESTOSTERONE RECEPTOR DEFICIENCY; Androgen insensitivity syndrome due to coactivator deficiency; Androgen insensitivity; Androgen insensitivity, complete; TESTICULAR FEMINIZATION SYNDROME. Identifiers: Orphanet 754, Orphanet 99429, MedGen C0039585, MONDO:0019154, OMIM 300068. Disease mechanism: loss of function.
Disorder of sexual differentiation. Also called: Difference of sexual differentiation; Disorder of sex development. Identifiers: Orphanet 90771, MedGen C2930619, MONDO:0002145.
Partial androgen insensitivity syndrome (PAIS). Also called: Reifenstein syndrome, partial; Androgen resistance syndrome, partial; Type I familial incomplete male pseudohermaphroditism; Reifenstein syndrome; Gynecomastia, familial; Pseudohermaphroditism, Incomplete male, type I. Identifiers: Orphanet 90797, MedGen C0268301, MONDO:0010720, OMIM 312300.

Allele frequency attached by ClinVar (database versions not stated): gnomAD 0.00001; TOPMed 0.00001.
gnomAD v4.1: 1 of 1,208,126 alleles (0.000083%); highest among the groups gnomAD compares: Non-Finnish European, 0.00011%; no homozygotes.

Submissions (8):

Labcorp Genetics (formerly Invitae), Labcorp
Classification: Pathogenic for Kennedy disease; Androgen resistance syndrome. Last evaluated: 2026-01-17. Review status: criteria provided, single submitter. Criteria: Invitae Variant Classification Sherloc (09022015). Collection method: clinical testing. Allele origin: germline.
Comment: This sequence change replaces alanine, which is neutral and non-polar, with threonine, which is neutral and polar, at codon 597 of the AR protein (p.Ala597Thr). This variant is not present in population databases (gnomAD no frequency). This missense change has been observed in individuals with AR-related conditions (PMID: 1598912, 26778393, 28261839). It has also been observed to segregate with disease in related individuals. ClinVar contains an entry for this variant (Variation ID: 9813). Invitae Evidence Modeling of protein sequence and biophysical properties (such as structural, functional, and spatial information, amino acid conservation, physicochemical variation, residue mobility, and thermodynamic stability) indicates that this missense variant is expected to disrupt AR protein function with a positive predictive value of 80%. Experimental studies have shown that this missense change affects AR function (PMID: 1598912). For these reasons, this variant has been classified as Pathogenic.

Genomic Medicine Center of Excellence, King Faisal Specialist Hospital and Research Centre
Classification: Pathogenic for Androgen resistance syndrome. Last evaluated: 2025-09-10. Review status: criteria provided, single submitter. Criteria: ACMG Guidelines, 2015. Collection method: clinical testing. Allele origin: germline.

Victorian Clinical Genetics Services, Murdoch Childrens Research Institute
Classification: Pathogenic for Partial androgen insensitivity syndrome. Last evaluated: 2024-10-08. Review status: criteria provided, single submitter. Criteria: ACMG Guidelines, 2015. Collection method: clinical testing. Allele origin: germline. Inheritance: X-linked recessive inheritance. Affected: yes.
Comment: Based on the classification scheme VCGS_Germline_v1.3.4, this variant is classified as Pathogenic. Following criteria are met: 0102 - Loss of function is a known mechanism of disease in this gene and is associated with androgen insensitivity (MIM#300068), partial androgen insensitivity with or without breast cancer (MIM#312300), X-linked hypospadias 1 (MIM#300633), or spinal and bulbar muscular atrophy of Kennedy (MIM#313200). (I) 0109 - This gene is associated with X-linked recessive disease. (I) 0200 - Variant is predicted to result in a missense amino acid change from alanine to threonine. (I) 0253 - This variant is hemizygous. (I) 0304 - Variant is present in gnomAD <0.01 for a recessive condition (v3: 0 heterozygotes, 0 homozygotes, 1 hemizygote). (SP) 0501 - Missense variant consistently predicted to be damaging by multiple in silico tools or highly conserved with a major amino acid change. (SP) 0600 - Variant is located in the annotated Zinc finger, C4 type DNA binding domain (DECIPHER, PMID: 29051026). (I) 0801 - This variant has strong previous evidence of pathogenicity in unrelated individuals. This variant has been reported in more than ten individuals with partial androgen insensitivity syndrome (PAIS) (ClinVar, PMIDs: 10971094, 15963062, 1598912, 26778393, 28261839, 29785970, 29051026). (SP) 1208 - Inheritance information for this variant is not currently available in this individual. (I) Legend: (SP) - Supporting pathogenic, (I) - Information, (SB) - Supporting benign

Blueprint Genetics
Classification: Pathogenic for AR-related disorders. Last evaluated: 2024-10-01. Review status: criteria provided, single submitter. Criteria: ACMG Guidelines, 2015. Collection method: clinical testing. Allele origin: germline. Affected: yes. Observed: 1 variant allele.

Clinical Genetics Laboratory, Skane University Hospital Lund
Classification: Pathogenic for Disorder of sexual differentiation. Last evaluated: 2024-09-18. Review status: criteria provided, single submitter. Criteria: ACMG Guidelines, 2015. Collection method: clinical testing. Allele origin: germline. Affected: yes.
Comment: ACMG criteria used: PS3 (PMID: 1598912), PS4 (PMID: 1598912, 26778393, 28261839), PM2, PP3

Clinical Genetics and Genomics, Karolinska University Hospital
Classification: Pathogenic. Last evaluated: 2018-03-15. Review status: criteria provided, single submitter. Criteria: ACMG Guidelines, 2015. Collection method: clinical testing. Allele origin: germline. Affected: yes. Observed: 2 variant alleles.

Clinical Genetics Laboratory, University Hospital Schleswig-Holstein
Classification: Pathogenic for Partial androgen insensitivity syndrome. Last evaluated: 2022-11-04. Review status: no assertion criteria provided. Collection method: clinical testing. Allele origin: germline. Affected: yes. Not counted in ClinVar's aggregate classification.

OMIM
Classification: Pathogenic for ANDROGEN INSENSITIVITY, PARTIAL. Last evaluated: 1992-06-01. Review status: no assertion criteria provided. Collection method: literature only. Allele origin: germline. Not counted in ClinVar's aggregate classification.

Literature cited by the submitters: PubMed 1598912 (cited by 3 submitters); PubMed 26778393 (cited by Labcorp Genetics (formerly Invitae), Labcorp and Victorian Clinical Genetics Services, Murdoch Childrens Research Institute); PubMed 28261839 (cited by Labcorp Genetics (formerly Invitae), Labcorp and Victorian Clinical Genetics Services, Murdoch Childrens Research Institute); PubMed 10971094 (cited by Victorian Clinical Genetics Services, Murdoch Childrens Research Institute); PubMed 15963062 (cited by Victorian Clinical Genetics Services, Murdoch Childrens Research Institute); PubMed 29051026 (cited by Victorian Clinical Genetics Services, Murdoch Childrens Research Institute); PubMed 29785970 (cited by Victorian Clinical Genetics Services, Murdoch Childrens Research Institute).

NM_000044.6(AR):c.1789G>A (p.Ala597Thr)

Gene: AR (androgen receptor; plus strand). Cytogenetic location: Xq12.
Variant type: single nucleotide variant.
Coding change: c.1789G>A on transcript NM_000044.6 (MANE Select); coding-DNA position 1789, G replaced by A.
Protein change: p.Ala597Thr; replaces alanine 597 with threonine.
Molecular consequence: missense variant.
Genome position (GRCh38, 1-based): chrX:67,686,030, G>A. VCF-style: chrX-67686030-G-A. GRCh37 (hg19) VCF-style: chrX-66905872-G-A.
Other names: A771T; c.193G>A, p.Ala65Thr (NM_001011645.3); c.1789G>A, p.Ala597Thr (NM_001348061.1, NM_001348063.1); c.1706G>A, p.Arg569His (NM_001348064.1); short protein forms A597T, A65T, R569H.
Identifiers: ClinVar variation 9813 (VCV000009813.14), dbSNP rs137852569, ClinGen allele CA120703.